The following is an entry in ClinVar:

ClinVar aggregate classification (germline): Likely benign (0 of 4 stars; one submission).

Conditions:
TRPM1-related disorder. Also called: TRPM1-related condition.

Allele frequency attached by ClinVar (database versions not stated): gnomAD exomes 0.00002.
gnomAD v4.1: 27 of 1,613,982 alleles (0.0017%); highest among the groups gnomAD compares: Non-Finnish European, 0.0021%; no homozygotes.

Submission:

PreventionGenetics, part of Exact Sciences
Classification: Likely benign for TRPM1-related condition. Last evaluated: 2023-09-28. Review status: no assertion criteria provided. Collection method: clinical testing. Allele origin: germline.
Comment: This variant is classified as likely benign based on ACMG/AMP sequence variant interpretation guidelines (Richards et al. 2015 PMID: 25741868, with internal and published modifications).

NM_001252024.2(TRPM1):c.2085C>T (p.Ser695=)

Gene: TRPM1 (transient receptor potential cation channel subfamily M member 1; minus strand). Cytogenetic location: 15q13.3.
Variant type: single nucleotide variant.
Coding change: c.2085C>T on transcript NM_001252024.2 (MANE Select); coding-DNA position 2085, C replaced by T.
Protein change: p.Ser695=; no amino-acid change (serine 695 retained).
Molecular consequence: synonymous variant.
Genome position (GRCh38, 1-based): chr15:31,041,953, G>A on the plus strand (C>T on the coding strand, the complement: TRPM1 is on the minus strand). VCF-style: chr15-31041953-G-A. GRCh37 (hg19) VCF-style: chr15-31334156-G-A.
Other names: c.2136C>T, p.Ser712= (NM_001252020.2); c.2019C>T, p.Ser673= (NM_002420.6).
Identifiers: ClinVar variation 3037051 (VCV003037051.2), dbSNP rs749198278, ClinGen allele CA267474621.